The following is an entry in ClinVar:

NM_030662.4(MAP2K2):c.1123G>T (p.Glu375Ter)

Gene: MAP2K2 (mitogen-activated protein kinase kinase 2; minus strand). Cytogenetic location: 19p13.3.
Variant type: single nucleotide variant.
Coding change: c.1123G>T on transcript NM_030662.4 (MANE Select); coding-DNA position 1123, G replaced by T.
Protein change: p.Glu375Ter; replaces glutamic acid 375 with a stop codon.
Molecular consequence: nonsense.
Genome position (GRCh38, 1-based): chr19:4,090,678, C>A on the plus strand (G>T on the coding strand, the complement: MAP2K2 is on the minus strand). VCF-style: chr19-4090678-C-A. GRCh37 (hg19) VCF-style: chr19-4090676-C-A.
Other names: short protein forms E375*.
Identifiers: ClinVar variation 2770949 (VCV002770949.3), dbSNP rs2512299687, ClinGen allele CA403381073.
Genomic context (GRCh38, chr19:4,090,678, plus strand): 5'-GTGTGCCGGGCTGGTTCAGCCGCAGGGTTTTACACAACCAGCCGGCAAAATCCACTTCTT[C>A]CACCTCGGACCGCTTGATGAAGGTGTGGTTCTGCAAGGAAAGGGGAGCCGTGAGCACCCG-3'

ClinVar aggregate classification (germline): Uncertain significance (1 of 4 stars; one submission).

Conditions:
RASopathy. Also called: rasopathies; Noonan spectrum disorder. Identifiers: Orphanet 536391, MedGen C5555857, MONDO:0021060.

Submission:

Labcorp Genetics (formerly Invitae), Labcorp
Classification: Uncertain significance for RASopathy. Last evaluated: 2023-11-17. Review status: criteria provided, single submitter. Criteria: Invitae Variant Classification Sherloc (09022015). Collection method: clinical testing. Allele origin: germline.
Comment: This sequence change creates a premature translational stop signal (p.Glu375*) in the MAP2K2 gene. While this is not anticipated to result in nonsense mediated decay, it is expected to disrupt the last 26 amino acid(s) of the MAP2K2 protein. This variant is not present in population databases (gnomAD no frequency). This variant has not been reported in the literature in individuals affected with MAP2K2-related conditions. Experimental studies and prediction algorithms are not available or were not evaluated, and the functional significance of this variant is currently unknown. In summary, the available evidence is currently insufficient to determine the role of this variant in disease. Therefore, it has been classified as a Variant of Uncertain Significance.